The following is an entry in ClinVar:

NM_004995.4(MMP14):c.989G>A (p.Arg330Gln)

Gene: MMP14 (matrix metallopeptidase 14; plus strand). Cytogenetic location: 14q11.2.
Variant type: single nucleotide variant.
Coding change: c.989G>A on transcript NM_004995.4 (MANE Select); coding-DNA position 989, G replaced by A.
Protein change: p.Arg330Gln; replaces arginine 330 with glutamine.
Molecular consequence: missense variant.
Genome position (GRCh38, 1-based): chr14:22,843,848, G>A. VCF-style: chr14-22843848-G-A. GRCh37 (hg19) VCF-style: chr14-23313057-G-A.
Other names: short protein forms R330Q.
Identifiers: ClinVar variation 2084383 (VCV002084383.4), dbSNP rs762756687, ClinGen allele CA7105320.
Genomic context (GRCh38, chr14:22,843,848, plus strand): 5'-AAAACCCCACCTATGGGCCCAACATCTGTGACGGGAACTTTGACACCGTGGCCATGCTCC[G>A]AGGGGAGATGTTTGTCTTCAAGGTGAGAAGAAGTGGGCTGGTTTGAAAGACAAAAGGGCC-3'
Protein context (NP_004986.1, residues 320-340): DGNFDTVAML[Arg330Gln]GEMFVFKERW

ClinVar aggregate classification (germline): Uncertain significance (1 of 4 stars; one submission).

Allele frequency attached by ClinVar (database versions not stated): ExAC 0.00001; gnomAD exomes 0.00004; TOPMed 0.00004; gnomAD 0.00006.

Submission:

Labcorp Genetics (formerly Invitae), Labcorp
Classification: Uncertain significance. Last evaluated: 2024-08-24. Review status: criteria provided, single submitter. Criteria: Invitae Variant Classification Sherloc (09022015). Collection method: clinical testing. Allele origin: germline.
Comment: This sequence change replaces arginine, which is basic and polar, with glutamine, which is neutral and polar, at codon 330 of the MMP14 protein (p.Arg330Gln). This variant is present in population databases (rs762756687, gnomAD 0.004%). This variant has not been reported in the literature in individuals affected with MMP14-related conditions. ClinVar contains an entry for this variant (Variation ID: 2084383). Invitae Evidence Modeling of protein sequence and biophysical properties (such as structural, functional, and spatial information, amino acid conservation, physicochemical variation, residue mobility, and thermodynamic stability) indicates that this missense variant is expected to disrupt MMP14 protein function with a positive predictive value of 80%. In summary, the available evidence is currently insufficient to determine the role of this variant in disease. Therefore, it has been classified as a Variant of Uncertain Significance.